The following is an entry in ClinVar:

NM_032444.4(SLX4):c.4999C>A (p.His1667Asn)

Gene: SLX4 (SLX4 structure-specific endonuclease subunit; minus strand). Cytogenetic location: 16p13.3.
Variant type: single nucleotide variant.
Coding change: c.4999C>A on transcript NM_032444.4 (MANE Select); coding-DNA position 4999, C replaced by A.
Protein change: p.His1667Asn; replaces histidine 1667 with asparagine.
Molecular consequence: missense variant.
Genome position (GRCh38, 1-based): chr16:3,583,251, G>T on the plus strand (C>A on the coding strand, the complement: SLX4 is on the minus strand). VCF-style: chr16-3583251-G-T. GRCh37 (hg19) VCF-style: chr16-3633252-G-T.
Other names: short protein forms H1667N.
Identifiers: ClinVar variation 936009 (VCV000936009.8), dbSNP rs746120772, ClinGen allele CA7865446.

ClinVar aggregate classification (germline): Uncertain significance (1 of 4 stars; one submission).

Conditions:
Fanconi anemia (FA). Also called: Fanconi's anemia. Identifiers: Orphanet 84, MedGen C0015625, MeSH D005199, MONDO:0019391.

Allele frequency attached by ClinVar (database versions not stated): gnomAD below 0.00001 and 0.00001; gnomAD exomes 0.00002; ExAC 0.00003.

Submission:

Labcorp Genetics (formerly Invitae), Labcorp
Classification: Uncertain significance for Fanconi anemia. Last evaluated: 2024-11-19. Review status: criteria provided, single submitter. Criteria: Invitae Variant Classification Sherloc (09022015). Collection method: clinical testing. Allele origin: germline.
Comment: This sequence change replaces histidine, which is basic and polar, with asparagine, which is neutral and polar, at codon 1667 of the SLX4 protein (p.His1667Asn). This variant is present in population databases (rs746120772, gnomAD 0.02%). This variant has not been reported in the literature in individuals affected with SLX4-related conditions. ClinVar contains an entry for this variant (Variation ID: 936009). An algorithm developed to predict the effect of missense changes on protein structure and function (PolyPhen-2) suggests that this variant¬†is likely to be tolerated. In summary, the available evidence is currently insufficient to determine the role of this variant in disease. Therefore, it has been classified as a Variant of Uncertain Significance.